The following is an entry in ClinVar:

NM_001256447.2(BCAP31):c.353G>A (p.Arg118His)

Gene: BCAP31 (B cell receptor associated protein 31; minus strand). Cytogenetic location: Xq28.
Variant type: single nucleotide variant.
Coding change: c.353G>A on transcript NM_001256447.2 (MANE Select); coding-DNA position 353, G replaced by A.
Protein change: p.Arg118His; replaces arginine 118 with histidine.
Molecular consequence: missense variant.
Genome position (GRCh38, 1-based): chrX:153,704,083, C>T on the plus strand (G>A on the coding strand, the complement: BCAP31 is on the minus strand). VCF-style: chrX-153704083-C-T. GRCh37 (hg19) VCF-style: chrX-152969538-C-T.
Other names: c.353G>A, p.Arg118His (NM_001139441.1, NM_005745.8); c.554G>A, p.Arg185His (NM_001139457.2); short protein forms R185H, R118H.
Identifiers: ClinVar variation 1503782 (VCV001503782.8), dbSNP rs782366321, ClinGen allele CA10549783.

ClinVar aggregate classification (germline): Uncertain significance (1 of 4 stars; one submission).

Allele frequency attached by ClinVar (database versions not stated): gnomAD exomes 0.00001 and 0.00002; ExAC 0.00002; gnomAD 0.00002; TOPMed 0.00002.

Submission:

Labcorp Genetics (formerly Invitae), Labcorp
Classification: Uncertain significance. Last evaluated: 2024-06-19. Review status: criteria provided, single submitter. Criteria: Invitae Variant Classification Sherloc (09022015). Collection method: clinical testing. Allele origin: germline.
Comment: This sequence change replaces arginine, which is basic and polar, with histidine, which is basic and polar, at codon 118 of the BCAP31 protein (p.Arg118His). The frequency data for this variant in the population databases is considered unreliable, as metrics indicate poor data quality at this position in the gnomAD database. This variant has not been reported in the literature in individuals affected with BCAP31-related conditions. ClinVar contains an entry for this variant (Variation ID: 1503782). An algorithm developed to predict the effect of missense changes on protein structure and function (PolyPhen-2) suggests that this variant is likely to be disruptive. In summary, the available evidence is currently insufficient to determine the role of this variant in disease. Therefore, it has been classified as a Variant of Uncertain Significance.